The following is an entry in ClinVar:

ClinVar aggregate classification (germline): Uncertain significance (1 of 4 stars; one submission).

Submission:

Ambry Genetics
Classification: Uncertain significance. Last evaluated: 2023-02-24. Review status: criteria provided, single submitter. Criteria: Ambry Variant Classification Scheme 2023. Collection method: clinical testing. Allele origin: germline.
Comment: The p.R211S variant (also known as c.631C>A), located in coding exon 7 of the NPAT gene, results from a C to A substitution at nucleotide position 631. The arginine at codon 211 is replaced by serine, an amino acid with dissimilar properties. This amino acid position is conserved. In addition, this alteration is predicted to be tolerated by in silico analysis. Since supporting evidence is limited at this time, the clinical significance of this alteration remains unclear.

NM_002519.3(NPAT):c.631C>A (p.Arg211Ser)

Gene: NPAT (nuclear protein, coactivator of histone transcription; minus strand). Cytogenetic location: 11q22.3.
Variant type: single nucleotide variant.
Coding change: c.631C>A on transcript NM_002519.3 (MANE Select); coding-DNA position 631, C replaced by A.
Protein change: p.Arg211Ser; replaces arginine 211 with serine.
Molecular consequence: missense variant.
Genome position (GRCh38, 1-based): chr11:108,188,105, G>T on the plus strand (C>A on the coding strand, the complement: NPAT is on the minus strand). VCF-style: chr11-108188105-G-T. GRCh37 (hg19) VCF-style: chr11-108058832-G-T.
Other names: c.631C>A, p.Arg211Ser (NM_001321307.1); short protein forms R211S.
Identifiers: ClinVar variation 2453802 (VCV002453802.2), dbSNP rs2496743085, ClinGen allele CA382522927.
Genomic context (GRCh38, chr11:108,188,105, plus strand): 5'-TTTTTTTTTTTTTAATGGATACGGGTAACTTGTCTCTTTTAAAAAGCATTTACCTTTTGC[G>T]TCTACCGGGAGACATTAAACTGGCATGTGCTTTCTTTTCCTGAGCACCAGGAATGACATT-3'
Protein context (NP_002510.2, residues 201-221): AHASLMSPGR[Arg211Ser]KSESQRKSTT